The following is an entry in ClinVar:

NM_020366.4(RPGRIP1):c.3823G>A (p.Ala1275Thr)

Gene: RPGRIP1 (RPGR interacting protein 1; plus strand). Cytogenetic location: 14q11.2.
Variant type: single nucleotide variant.
Coding change: c.3823G>A on transcript NM_020366.4 (MANE Select); coding-DNA position 3823, G replaced by A.
Protein change: p.Ala1275Thr; replaces alanine 1275 with threonine.
Molecular consequence: missense variant.
Genome position (GRCh38, 1-based): chr14:21,351,178, G>A. VCF-style: chr14-21351178-G-A. GRCh37 (hg19) VCF-style: chr14-21819337-G-A.
Other names: c.1801G>A, p.Ala601Thr (NM_001377523.1, NM_001377950.1); c.2749G>A, p.Ala917Thr (NM_001377948.1); c.1909G>A, p.Ala637Thr (NM_001377949.1); c.1306G>A, p.Ala436Thr (NM_001377951.1); short protein forms A1275T, A637T, A436T, A601T, A917T.
Identifiers: ClinVar variation 2088886 (VCV002088886.4), dbSNP rs1223177402, ClinGen allele CA388858401.

ClinVar aggregate classification (germline): Uncertain significance (1 of 4 stars; one submission).

Conditions:
Leber congenital amaurosis 6 (LCA6). Identifiers: Orphanet 65, MedGen C1854260, MONDO:0013446, OMIM 613826.
Cone-rod dystrophy 13 (CORD13). Identifiers: Orphanet 1872, MedGen C2750720, MONDO:0011987, OMIM 608194.

Submission:

Labcorp Genetics (formerly Invitae), Labcorp
Classification: Uncertain significance for Leber congenital amaurosis 6; Cone-rod dystrophy 13. Last evaluated: 2022-08-22. Review status: criteria provided, single submitter. Criteria: Invitae Variant Classification Sherloc (09022015). Collection method: clinical testing. Allele origin: germline.
Comment: In summary, the available evidence is currently insufficient to determine the role of this variant in disease. Therefore, it has been classified as a Variant of Uncertain Significance. Algorithms developed to predict the effect of missense changes on protein structure and function are either unavailable or do not agree on the potential impact of this missense change (SIFT: "Tolerated"; PolyPhen-2: "Possibly Damaging"; Align-GVGD: "Class C0"). This variant has not been reported in the literature in individuals affected with RPGRIP1-related conditions. This variant is not present in population databases (gnomAD no frequency). This sequence change replaces alanine, which is neutral and non-polar, with threonine, which is neutral and polar, at codon 1275 of the RPGRIP1 protein (p.Ala1275Thr).